The following is an entry in ClinVar:

ClinVar aggregate classification (germline): Uncertain significance (1 of 4 stars; one submission).

Submission:

Labcorp Genetics (formerly Invitae), Labcorp
Classification: Uncertain significance. Last evaluated: 2023-08-30. Review status: criteria provided, single submitter. Criteria: Invitae Variant Classification Sherloc (09022015). Collection method: clinical testing. Allele origin: germline.
Comment: This sequence change falls in intron 6 of the TCIRG1 gene. It does not directly change the encoded amino acid sequence of the TCIRG1 protein. This variant is not present in population databases (gnomAD no frequency). This variant has not been reported in the literature in individuals affected with TCIRG1-related conditions. ClinVar contains an entry for this variant (Variation ID: 2120233). Algorithms developed to predict the effect of sequence changes on RNA splicing suggest that this variant may create or strengthen a splice site. In summary, the available evidence is currently insufficient to determine the role of this variant in disease. Therefore, it has been classified as a Variant of Uncertain Significance.

NM_006019.4(TCIRG1):c.631-19A>C

Gene: TCIRG1 (T cell immune regulator 1, ATPase H+ transporting V0 subunit a3; plus strand). Cytogenetic location: 11q13.2.
Variant type: single nucleotide variant.
Coding change: c.631-19A>C on transcript NM_006019.4 (MANE Select); 19 bases into the intron before coding-DNA position 631, A replaced by C.
Molecular consequence: intron variant.
Genome position (GRCh38, 1-based): chr11:68,043,552, A>C. VCF-style: chr11-68043552-A-C. GRCh37 (hg19) VCF-style: chr11-67811019-A-C.
Other names: c.-280-19A>C (NM_001351059.2); c.-18-19A>C (NM_006053.4).
Identifiers: ClinVar variation 2120233 (VCV002120233.4), dbSNP rs2495621516, ClinGen allele CA2580084663.